The following is an entry in ClinVar:

ClinVar aggregate classification (germline): Pathogenic. Review status: criteria provided, multiple submitters, no conflicts (2 of 4 stars). 3 submissions from 3 submitters: Pathogenic (2). 1 of the submissions does not count toward it. Last evaluated 2022-03-31.

Conditions:
Tuberous sclerosis syndrome (TSC). Also called: Tuberous Sclerosis Complex; Tuberous sclerosis. Identifiers: Orphanet 805, MedGen C0041341, MONDO:0001734.
Tuberous sclerosis 1 (TSC1). Identifiers: Orphanet 805, MedGen C1854465, MONDO:0008612, OMIM 191100.

Submissions (3):

GeneDx
Classification: Pathogenic. Last evaluated: 2022-03-31. Review status: criteria provided, single submitter. Criteria: GeneDx Variant Classification Process June 2021. Collection method: clinical testing. Allele origin: germline. Affected: yes.
Comment: Published functional studies suggest this variant disrupts TSC1-TSC2 complex function and results in decreased levels of TSC1 and increased mTOR activity (Hoogeveen-Westerveld et al., 2011; Mozaffari et al., 2009); In silico analysis supports that this missense variant has a deleterious effect on protein structure/function; Not observed at significant frequency in large population cohorts (gnomAD); This variant is associated with the following publications: (PMID: 23857276, 19747374, 21309039, 22867869)

Labcorp Genetics (formerly Invitae), Labcorp
Classification: Pathogenic for Tuberous sclerosis 1. Last evaluated: 2021-02-15. Review status: criteria provided, single submitter. Criteria: Invitae Variant Classification Sherloc (09022015). Collection method: clinical testing. Allele origin: germline.
Comment: For these reasons, this variant has been classified as Pathogenic. This variant disrupts the p.Leu61 amino acid residue in TSC1. Other variant(s) that disrupt this residue have been determined to be pathogenic (Invitae). This suggests that this residue is clinically significant, and that variants that disrupt this residue are likely to be disease-causing. Experimental studies have shown that this variant affects TSC1 protein function (PMID: 19747374) This variant has been observed in individual(s) with tuberous sclerosis complex (PMID: 19747374). In at least one individual the variant was observed to be de novo. ClinVar contains an entry for this variant (Variation ID: 48842). This variant is not present in population databases (ExAC no frequency). This sequence change replaces leucine with proline at codon 61 of the TSC1 protein (p.Leu61Pro). The leucine residue is highly conserved and there is a moderate physicochemical difference between leucine and proline.

Tuberous sclerosis database (TSC1)
No classification provided. Condition: TSC. Review status: no classification provided. Criteria: Tuberous Sclerosis Database Assertion Criteria 2015. Collection method: curation. Allele origin: germline. Affected: yes. Not counted in ClinVar's aggregate classification.

Literature cited by the submitters: PubMed 19747374 (cited by Labcorp Genetics (formerly Invitae), Labcorp).

NM_000368.5(TSC1):c.182T>C (p.Leu61Pro)

Gene: TSC1 (TSC complex subunit 1; minus strand). Cytogenetic location: 9q34.13.
Variant type: single nucleotide variant.
Coding change: c.182T>C on transcript NM_000368.5 (MANE Select); coding-DNA position 182, T replaced by C.
Protein change: p.Leu61Pro; replaces leucine 61 with proline.
Molecular consequence: missense variant. On other transcripts: intron variant (1).
Genome position (GRCh38, 1-based): chr9:132,927,229, A>G on the plus strand (T>C on the coding strand, the complement: TSC1 is on the minus strand). VCF-style: chr9-132927229-A-G. GRCh37 (hg19) VCF-style: chr9-135802616-A-G.
Other names: c.182T>C, p.Leu61Pro (NM_001162426.2, NM_001162427.2); c.-153-1490T>C (NM_001362177.2); short protein forms L61P.
Identifiers: ClinVar variation 48842 (VCV000048842.10), dbSNP rs118203345, ClinGen allele CA005453.